The following is an entry in ClinVar:

NM_004183.4(BEST1):c.275G>A (p.Arg92His)

Gene: BEST1 (bestrophin 1; plus strand). Cytogenetic location: 11q12.3.
Variant type: single nucleotide variant.
Coding change: c.275G>A on transcript NM_004183.4 (MANE Select); coding-DNA position 275, G replaced by A.
Protein change: p.Arg92His; replaces arginine 92 with histidine.
Molecular consequence: missense variant. On other transcripts: non-coding transcript variant (1).
Genome position (GRCh38, 1-based): chr11:61,955,745, G>A. VCF-style: chr11-61955745-G-A. GRCh37 (hg19) VCF-style: chr11-61723217-G-A.
Other names: c.95G>A, p.Arg32His (NM_001139443.3, NM_001300786.2, NM_001300787.2); c.-44G>A (NM_001363591.3); c.275G>A, p.Arg92His (NM_001363592.2); c.-901G>A (NM_001363593.3); short protein forms R92H, R32H.
Identifiers: ClinVar variation 99704 (VCV000099704.7), dbSNP rs281865225, ClinGen allele CA227756.

ClinVar aggregate classification (germline): Pathogenic. Review status: criteria provided, multiple submitters, no conflicts (2 of 4 stars). 3 submissions from 3 submitters: Pathogenic (2). 1 of the submissions does not count toward it. Last evaluated 2024-12-15.

Conditions:
BEST1-related disorder. Also called: BEST1-related disorders; BEST1-related condition. Identifiers: MedGen CN239200.

Submissions (3):

Labcorp Genetics (formerly Invitae), Labcorp
Classification: Pathogenic. Last evaluated: 2024-12-15. Review status: criteria provided, single submitter. Criteria: Invitae Variant Classification Sherloc (09022015). Collection method: clinical testing. Allele origin: germline.
Comment: This sequence change replaces arginine, which is basic and polar, with histidine, which is basic and polar, at codon 92 of the BEST1 protein (p.Arg92His). This variant is not present in population databases (gnomAD no frequency). This missense change has been observed in individuals with autosomal dominant Best vitelliform macular dystrophy (PMID: 11241846, 25940553). ClinVar contains an entry for this variant (Variation ID: 99704). Invitae Evidence Modeling of protein sequence and biophysical properties (such as structural, functional, and spatial information, amino acid conservation, physicochemical variation, residue mobility, and thermodynamic stability) indicates that this missense variant is expected to disrupt BEST1 protein function with a positive predictive value of 95%. This variant disrupts the p.Arg92 amino acid residue in BEST1. Other variant(s) that disrupt this residue have been determined to be pathogenic (PMID: 10394929, 18400985, 21436265, 30498755). This suggests that this residue is clinically significant, and that variants that disrupt this residue are likely to be disease-causing. For these reasons, this variant has been classified as Pathogenic.

Blueprint Genetics
Classification: Pathogenic for BEST1-related disorders. Last evaluated: 2022-03-30. Review status: criteria provided, single submitter. Criteria: ACMG Guidelines, 2015. Collection method: clinical testing. Allele origin: germline. Affected: yes. Observed: 3 variant alleles.

Retina International
No classification provided. Review status: no classification provided. Collection method: not provided. Allele origin: not provided. Not counted in ClinVar's aggregate classification.

Literature cited by the submitters: PubMed 11241846 (cited by Labcorp Genetics (formerly Invitae), Labcorp); PubMed 25940553 (cited by Labcorp Genetics (formerly Invitae), Labcorp); PubMed 10394929 (cited by Labcorp Genetics (formerly Invitae), Labcorp); PubMed 18400985 (cited by Labcorp Genetics (formerly Invitae), Labcorp); PubMed 21436265 (cited by Labcorp Genetics (formerly Invitae), Labcorp); PubMed 30498755 (cited by Labcorp Genetics (formerly Invitae), Labcorp).